The following is an entry in ClinVar:

ClinVar aggregate classification (germline): Pathogenic (1 of 4 stars; one submission).

Submission:

Labcorp Genetics (formerly Invitae), Labcorp
Classification: Pathogenic. Last evaluated: 2023-06-14. Review status: criteria provided, single submitter. Criteria: Invitae Variant Classification Sherloc (09022015). Collection method: clinical testing. Allele origin: germline.
Comment: For these reasons, this variant has been classified as Pathogenic. This variant has not been reported in the literature in individuals affected with VPS13A-related conditions. This variant is present in population databases (rs781249431, gnomAD 0.002%). This sequence change creates a premature translational stop signal (p.Thr3084Argfs*24) in the VPS13A gene. It is expected to result in an absent or disrupted protein product. Loss-of-function variants in VPS13A are known to be pathogenic (PMID: 12404112, 21598378).

Literature cited by the submitters: PubMed 12404112; PubMed 21598378.

NM_033305.3(VPS13A):c.9251_9252del (p.Thr3084fs)

Gene: VPS13A (vacuolar protein sorting 13 homolog A; plus strand). Cytogenetic location: 9q21.2.
Variant type: Deletion.
Coding change: c.9251_9252del on transcript NM_033305.3 (MANE Select); coding-DNA positions 9251 to 9252, 2 bases deleted (CA; older notation c.9251_9252delCA).
Protein change: p.Thr3084fs; shifts the reading frame from threonine 3084.
Molecular consequence: frameshift variant.
Genome position (GRCh38, 1-based): chr9:77,403,297-77,403,298, CA deleted; deleting any 2 consecutive bases within chr9:77,403,296-77,403,298 gives the same sequence; the c. name uses the placement nearest the transcript's 3' end. VCF-style (leftmost placement, unchanged base first): chr9-77403295-GAC-G. GRCh37 (hg19) VCF-style: chr9-80018211-GAC-G.
Other names: c.9134_9135del, p.Thr3045fs (NM_001018037.2); short protein forms T3045fs, T3084fs.
Identifiers: ClinVar variation 2791557 (VCV002791557.3), dbSNP rs781249431, ClinGen allele CA5093977.